The following is an entry in ClinVar:

NM_001851.6(COL9A1):c.2205G>A (p.Arg735=)

Gene: COL9A1 (collagen type IX alpha 1 chain; minus strand). Cytogenetic location: 6q13.
Variant type: single nucleotide variant.
Coding change: c.2205G>A on transcript NM_001851.6 (MANE Select); coding-DNA position 2205, G replaced by A.
Protein change: p.Arg735=; no amino-acid change (arginine 735 retained).
Molecular consequence: synonymous variant. On other transcripts: non-coding transcript variant (1), intron variant (1).
Genome position (GRCh38, 1-based): chr6:70,234,848, C>T on the plus strand (G>A on the coding strand, the complement: COL9A1 is on the minus strand). VCF-style: chr6-70234848-C-T. GRCh37 (hg19) VCF-style: chr6-70944551-C-T.
Other names: c.2205G>A (NM_001851.4); c.1506G>A, p.Arg502= (NM_001377289.1); c.1476G>A, p.Arg492= (NM_078485.4); c.1384-255G>A (NM_001377290.1).
Identifiers: ClinVar variation 1638975 (VCV001638975.9), dbSNP rs1005817817, ClinGen allele CA140848629.

ClinVar aggregate classification (germline): Conflicting classifications of pathogenicity. Review status: criteria provided, conflicting classifications (1 of 4 stars). 2 submissions from 2 submitters: Uncertain significance (1); Likely benign (1). Last evaluated 2025-08-31.

Conditions:
COL9A1-related disorder. Also called: COL9A1-related condition; COL9A1-related disorders.

Allele frequency attached by ClinVar (database versions not stated): gnomAD exomes below 0.00001; TOPMed 0.00002.
gnomAD v4.1: 1 of 1,614,154 alleles (0.000062%); highest among the groups gnomAD compares: Admixed American, 0.0017%; no homozygotes.

Submissions (2):

Labcorp Genetics (formerly Invitae), Labcorp
Classification: Likely benign. Last evaluated: 2025-08-31. Review status: criteria provided, single submitter. Criteria: Invitae Variant Classification Sherloc (09022015). Collection method: clinical testing. Allele origin: germline.

PreventionGenetics, part of Exact Sciences
Classification: Uncertain significance for COL9A1-related condition. Last evaluated: 2024-11-05. Review status: criteria provided, single submitter. Criteria: ACMG Guidelines, 2015. Collection method: clinical testing. Allele origin: germline.
Comment: The COL9A1 c.2205G>A variant is not predicted to result in an amino acid change (p.=). This variant is predicted to create a cryptic splice donor site (SpliceAI, Jaganathan et al. 2019. PubMed ID: 30661751). To our knowledge, this variant has not been reported in the literature. This variant is reported in 0.0029% of alleles in individuals of Latino descent in gnomAD. At this time, the clinical significance of this variant is uncertain due to the absence of conclusive functional and genetic evidence.